The following is an entry in ClinVar:

ClinVar aggregate classification (germline): Uncertain significance. Review status: criteria provided, multiple submitters, no conflicts (2 of 4 stars). 3 submissions from 3 submitters: Uncertain significance (3). Last evaluated 2024-08-12.

Conditions:
Sinoatrial node dysfunction and deafness (SANDD). Identifiers: Orphanet 324321, MedGen C3554018, MONDO:0013960, OMIM 614896.
Aldosterone-producing adenoma with seizures and neurological abnormalities. Also called: Primary aldosteronism, seizures, and neurologic abnormalities. Identifiers: Orphanet 369929, MedGen C3809609, MONDO:0014200, OMIM 615474.

Allele frequency attached by ClinVar (database versions not stated): gnomAD 0.00001; TOPMed 0.00001; gnomAD exomes 0.00002 and 0.00004; ExAC 0.00003; ESP Exome Variant Server 0.00015.
gnomAD v4.1: 64 of 1,613,868 alleles (0.004%); highest among the groups gnomAD compares: Non-Finnish European, 0.0054%; no homozygotes.

Submissions (3):

Mayo Clinic Laboratories, Mayo Clinic
Classification: Uncertain significance. Last evaluated: 2024-08-12. Review status: criteria provided, single submitter. Criteria: ACMG Guidelines, 2015. Collection method: clinical testing. Allele origin: germline. Observed: 1 variant allele.
Comment: PM2_moderate

Labcorp Genetics (formerly Invitae), Labcorp
Classification: Uncertain significance. Last evaluated: 2024-04-29. Review status: criteria provided, single submitter. Criteria: Invitae Variant Classification Sherloc (09022015). Collection method: clinical testing. Allele origin: germline.
Comment: This sequence change replaces threonine, which is neutral and polar, with alanine, which is neutral and non-polar, at codon 2046 of the CACNA1D protein (p.Thr2046Ala). This variant is present in population databases (rs145573139, gnomAD 0.007%). This variant has not been reported in the literature in individuals affected with CACNA1D-related conditions. ClinVar contains an entry for this variant (Variation ID: 1405751). An algorithm developed to predict the effect of missense changes on protein structure and function (PolyPhen-2) suggests that this variant is likely to be tolerated. In summary, the available evidence is currently insufficient to determine the role of this variant in disease. Therefore, it has been classified as a Variant of Uncertain Significance.

Fulgent Genetics
Classification: Uncertain significance for Sinoatrial node dysfunction and deafness; Aldosterone-producing adenoma with seizures and neurological abnormalities. Last evaluated: 2021-08-17. Review status: criteria provided, single submitter. Criteria: ACMG Guidelines, 2015. Collection method: clinical testing. Allele origin: unknown.

NM_001128840.3(CACNA1D):c.6076A>G (p.Thr2026Ala)

Gene: CACNA1D (calcium voltage-gated channel subunit alpha1 D; plus strand). Cytogenetic location: 3p21.1.
Variant type: single nucleotide variant.
Coding change: c.6076A>G on transcript NM_001128840.3 (MANE Select); coding-DNA position 6076, A replaced by G.
Protein change: p.Thr2026Ala; replaces threonine 2026 with alanine.
Molecular consequence: missense variant.
Genome position (GRCh38, 1-based): chr3:53,810,182, A>G. VCF-style: chr3-53810182-A-G. GRCh37 (hg19) VCF-style: chr3-53844209-A-G.
Other names: p.Thr2046Ala; c.6136A>G, p.Thr2046Ala (NM_000720.4); c.6004A>G, p.Thr2002Ala (NM_001128839.3); short protein forms T2002A, T2046A, T2026A.
Identifiers: ClinVar variation 1405751 (VCV001405751.8), dbSNP rs145573139, ClinGen allele CA2455356.
Genomic context (GRCh38, chr3:53,810,182, plus strand): 5'-TCAGAGGCCCTGGACCAGGTGAACGGCAGCCTGCCGTCCCTGCACCGCAGCTCCTGGTAC[A>G]CAGACGAGCCCGACATCTCCTACCGGACTTTCACACCAGCCAGCCTGACTGTCCCCAGCA-3'
Protein context (NP_001122312.1, residues 2016-2036): LPSLHRSSWY[Thr2026Ala]DEPDISYRTF